The following is an entry in ClinVar:

NM_000540.3(RYR1):c.14235C>A (p.Asp4745Glu)

Gene: RYR1 (ryanodine receptor 1; plus strand). Cytogenetic location: 19q13.2.
Variant type: single nucleotide variant.
Coding change: c.14235C>A on transcript NM_000540.3 (MANE Select); coding-DNA position 14235, C replaced by A.
Protein change: p.Asp4745Glu; replaces aspartic acid 4745 with glutamic acid.
Molecular consequence: missense variant.
Genome position (GRCh38, 1-based): chr19:38,577,980, C>A. VCF-style: chr19-38577980-C-A. GRCh37 (hg19) VCF-style: chr19-39068620-C-A.
Other names: c.14220C>A, p.Asp4740Glu (NM_001042723.2); short protein forms D4740E, D4745E.
Identifiers: ClinVar variation 935200 (VCV000935200.9), dbSNP rs1277398138, ClinGen allele CA405684522.

ClinVar aggregate classification (germline): Uncertain significance (1 of 4 stars; one submission).

Conditions:
RYR1-related disorder. Also called: RYR1-related disorders; RYR1-related condition. Identifiers: MedGen CN239331.

Allele frequency attached by ClinVar (database versions not stated): gnomAD exomes 0.00001.
gnomAD v4.1: 1 of 1,614,098 alleles (0.000062%); highest among the groups gnomAD compares: Non-Finnish European, 0.000085%; no homozygotes.

Submission:

Labcorp Genetics (formerly Invitae), Labcorp
Classification: Uncertain significance for RYR1-related disorder. Last evaluated: 2022-06-04. Review status: criteria provided, single submitter. Criteria: Invitae Variant Classification Sherloc (09022015). Collection method: clinical testing. Allele origin: germline.
Comment: In summary, the available evidence is currently insufficient to determine the role of this variant in disease. Therefore, it has been classified as a Variant of Uncertain Significance. Advanced modeling of protein sequence and biophysical properties (such as structural, functional, and spatial information, amino acid conservation, physicochemical variation, residue mobility, and thermodynamic stability) performed at Invitae indicates that this missense variant is not expected to disrupt RYR1 protein function. ClinVar contains an entry for this variant (Variation ID: 935200). This variant has not been reported in the literature in individuals affected with RYR1-related conditions. This variant is present in population databases (no rsID available, gnomAD 0.002%). This sequence change replaces aspartic acid, which is acidic and polar, with glutamic acid, which is acidic and polar, at codon 4745 of the RYR1 protein (p.Asp4745Glu).